The following is an entry in ClinVar:

ClinVar aggregate classification (germline): Uncertain significance (1 of 4 stars; one submission).

Conditions:
Hereditary cancer-predisposing syndrome. Also called: Neoplastic Syndromes, Hereditary; Tumor predisposition; Hereditary Cancer Syndrome; Hereditary neoplastic syndrome. Identifiers: Orphanet 140162, MedGen C0027672, MeSH D009386, MONDO:0015356.

Submission:

Ambry Genetics
Classification: Uncertain significance for Hereditary cancer-predisposing syndrome. Last evaluated: 2025-11-01. Review status: criteria provided, single submitter. Criteria: Ambry Variant Classification Scheme 2023. Collection method: clinical testing. Allele origin: germline.
Comment: The p.K295E variant (also known as c.883A>G), located in coding exon 6 of the RAD50 gene, results from an A to G substitution at nucleotide position 883. The lysine at codon 295 is replaced by glutamic acid, an amino acid with similar properties. This amino acid position is conserved. In addition, this alteration is predicted to be tolerated by in silico analysis. Based on the available evidence, the clinical significance of this variant remains unclear.

NM_005732.4(RAD50):c.883A>G (p.Lys295Glu)

Gene: RAD50 (RAD50 double strand break repair protein; plus strand). Cytogenetic location: 5q31.1.
Variant type: single nucleotide variant.
Coding change: c.883A>G on transcript NM_005732.4 (MANE Select); coding-DNA position 883, A replaced by G.
Protein change: p.Lys295Glu; replaces lysine 295 with glutamic acid.
Molecular consequence: missense variant.
Genome position (GRCh38, 1-based): chr5:132,587,688, A>G. VCF-style: chr5-132587688-A-G. GRCh37 (hg19) VCF-style: chr5-131923380-A-G.
Other names: short protein forms K295E.
Identifiers: ClinVar variation 4678010 (VCV004678010.1).
Genomic context (GRCh38, chr5:132,587,688, plus strand): 5'-TTGGATAGCCGAAAGAAGCAAATGGAGAAAGATAATAGTGAACTGGAAGAGAAAATGGAA[A>G]AGGTTTGTGGTGGTAGAATTTTGTTCTGCTTCAAAATTTTGGGATTATTGTAATGAACTT-3'
Protein context (NP_005723.2, residues 285-305): DNSELEEKME[Lys295Glu]VFQGTDEQLN